The following is an entry in ClinVar:

ClinVar aggregate classification (germline): Uncertain significance (1 of 4 stars; one submission).

Conditions:
Carnitine palmitoyltransferase II deficiency. Also called: Carnitine Palmitoyltransferase 2 Deficiency. Identifiers: Orphanet 157, MedGen C0342790, MONDO:0015515.

Submission:

Labcorp Genetics (formerly Invitae), Labcorp
Classification: Uncertain significance for Carnitine palmitoyltransferase II deficiency. Last evaluated: 2022-09-01. Review status: criteria provided, single submitter. Criteria: Invitae Variant Classification Sherloc (09022015). Collection method: clinical testing. Allele origin: germline.
Comment: In summary, the available evidence is currently insufficient to determine the role of this variant in disease. Therefore, it has been classified as a Variant of Uncertain Significance. Advanced modeling of protein sequence and biophysical properties (such as structural, functional, and spatial information, amino acid conservation, physicochemical variation, residue mobility, and thermodynamic stability) performed at Invitae indicates that this missense variant is not expected to disrupt CPT2 protein function. ClinVar contains an entry for this variant (Variation ID: 1483098). This variant has not been reported in the literature in individuals affected with CPT2-related conditions. This variant is not present in population databases (gnomAD no frequency). This sequence change replaces proline, which is neutral and non-polar, with glutamine, which is neutral and polar, at codon 629 of the CPT2 protein (p.Pro629Gln).

NM_000098.3(CPT2):c.1886C>A (p.Pro629Gln)

Gene: CPT2 (carnitine palmitoyltransferase 2; plus strand). Cytogenetic location: 1p32.3.
Variant type: single nucleotide variant.
Coding change: c.1886C>A on transcript NM_000098.3 (MANE Select); coding-DNA position 1886, C replaced by A.
Protein change: p.Pro629Gln; replaces proline 629 with glutamine.
Molecular consequence: missense variant.
Genome position (GRCh38, 1-based): chr1:53,213,504, C>A. VCF-style: chr1-53213504-C-A. GRCh37 (hg19) VCF-style: chr1-53679176-C-A.
Other names: c.1817C>A, p.Pro606Gln (NM_001330589.2); short protein forms P629Q, P606Q.
Identifiers: ClinVar variation 1483098 (VCV001483098.8), dbSNP rs767530116, ClinGen allele CA340397860.